The following is an entry in ClinVar:

NM_000465.4(BARD1):c.2032T>C (p.Tyr678His)

Gene: BARD1 (BRCA1 associated RING domain 1; minus strand). Cytogenetic location: 2q35.
Variant type: single nucleotide variant.
Coding change: c.2032T>C on transcript NM_000465.4 (MANE Select); coding-DNA position 2032, T replaced by C.
Protein change: p.Tyr678His; replaces tyrosine 678 with histidine.
Molecular consequence: missense variant. On other transcripts: non-coding transcript variant (3).
Genome position (GRCh38, 1-based): chr2:214,728,978, A>G on the plus strand (T>C on the coding strand, the complement: BARD1 is on the minus strand). VCF-style: chr2-214728978-A-G. GRCh37 (hg19) VCF-style: chr2-215593702-A-G.
Other names: c.1975T>C, p.Tyr659His (NM_001282543.2); c.679T>C, p.Tyr227His (NM_001282545.2); c.622T>C, p.Tyr208His (NM_001282548.2); c.493T>C, p.Tyr165His (NM_001282549.2); short protein forms Y678H, Y165H, Y227H, Y659H, Y208H.
Identifiers: ClinVar variation 820564 (VCV000820564.9), dbSNP rs1574703830, ClinGen allele CA350450765.
Genomic context (GRCh38, chr2:214,728,978, plus strand): 5'-CTGCAGTGACGAGCTTAATAAGGTTGTCCTTTGGATGGTGTTTGAAGGTTCCCCACAAAT[A>G]GAAGTAGCATCCATCAAACAGCTTTGGCAACTGAAATAATGAGAAAACATTTGTTAAAGG-3'
Protein context (NP_000456.2, residues 668-688): LPKLFDGCYF[Tyr678His]LWGTFKHHPK

ClinVar aggregate classification (germline): Uncertain significance. Review status: criteria provided, multiple submitters, no conflicts (2 of 4 stars). 2 submissions from 2 submitters: Uncertain significance (2). Last evaluated 2022-11-07.

Conditions:
Familial cancer of breast. Also called: BREAST CANCER, FAMILIAL; Hereditary breast cancer; hereditary breast carcinoma. Identifiers: Orphanet 227535, MedGen C0346153, MONDO:0016419, OMIM 114480. Disease mechanism: loss of function.
Hereditary cancer-predisposing syndrome. Also called: Neoplastic Syndromes, Hereditary; Tumor predisposition; Hereditary Cancer Syndrome; Hereditary neoplastic syndrome. Identifiers: Orphanet 140162, MedGen C0027672, MeSH D009386, MONDO:0015356.

Submissions (2):

Labcorp Genetics (formerly Invitae), Labcorp
Classification: Uncertain significance for Familial cancer of breast. Last evaluated: 2022-11-07. Review status: criteria provided, single submitter. Criteria: Invitae Variant Classification Sherloc (09022015). Collection method: clinical testing. Allele origin: germline.
Comment: In summary, the available evidence is currently insufficient to determine the role of this variant in disease. Therefore, it has been classified as a Variant of Uncertain Significance. Algorithms developed to predict the effect of missense changes on protein structure and function (SIFT, PolyPhen-2, Align-GVGD) all suggest that this variant is likely to be disruptive. ClinVar contains an entry for this variant (Variation ID: 820564). This variant has not been reported in the literature in individuals affected with BARD1-related conditions. This variant is not present in population databases (gnomAD no frequency). This sequence change replaces tyrosine, which is neutral and polar, with histidine, which is basic and polar, at codon 678 of the BARD1 protein (p.Tyr678His).

Ambry Genetics
Classification: Uncertain significance for Hereditary cancer-predisposing syndrome. Last evaluated: 2019-06-07. Review status: criteria provided, single submitter. Criteria: Ambry Variant Classification Scheme 2023. Collection method: clinical testing. Allele origin: germline.
Comment: The p.Y678H variant (also known as c.2032T>C), located in coding exon 11 of the BARD1 gene, results from a T to C substitution at nucleotide position 2032. The tyrosine at codon 678 is replaced by histidine, an amino acid with similar properties. This amino acid position is not well conserved in available vertebrate species. In addition, this alteration is predicted to be tolerated by in silico analysis. Since supporting evidence is limited at this time, the clinical significance of this alteration remains unclear.